The following is an entry in ClinVar:

NM_015178.3(RHOBTB2):c.617C>T (p.Ala206Val)

Gene: RHOBTB2 (Rho related BTB domain containing 2; plus strand). Cytogenetic location: 8p21.3.
Variant type: single nucleotide variant.
Coding change: c.617C>T on transcript NM_015178.3 (MANE Select); coding-DNA position 617, C replaced by T.
Protein change: p.Ala206Val; replaces alanine 206 with valine.
Molecular consequence: missense variant.
Genome position (GRCh38, 1-based): chr8:23,006,862, C>T. VCF-style: chr8-23006862-C-T. GRCh37 (hg19) VCF-style: chr8-22864375-C-T.
Other names: c.683C>T, p.Ala228Val (NM_001160036.2); c.638C>T, p.Ala213Val (NM_001160037.2); c.617C>T, p.Ala206Val (NM_001374791.1); short protein forms A206V, A213V, A228V.
Identifiers: ClinVar variation 2985945 (VCV002985945.3), dbSNP rs1810967346, ClinGen allele CA370564319.
Genomic context (GRCh38, chr8:23,006,862, plus strand): 5'-ATGAGACCAGCGTGGTGGCCCAGTTCGGCATCAAGGACGTCTTTGACAACGCCATCCGAG[C>T]TGCACTCATCTCCCGCCGCCACCTGCAGTTCTGGAAGTCCCACCTCCGCAATGTGCAGCG-3'
Protein context (NP_055993.2, residues 196-216): IKDVFDNAIR[Ala206Val]ALISRRHLQF

ClinVar aggregate classification (germline): Uncertain significance (1 of 4 stars; one submission).

Submission:

Labcorp Genetics (formerly Invitae), Labcorp
Classification: Uncertain significance. Last evaluated: 2022-12-04. Review status: criteria provided, single submitter. Criteria: Invitae Variant Classification Sherloc (09022015). Collection method: clinical testing. Allele origin: germline.
Comment: Advanced modeling of protein sequence and biophysical properties (such as structural, functional, and spatial information, amino acid conservation, physicochemical variation, residue mobility, and thermodynamic stability) performed at Invitae indicates that this missense variant is not expected to disrupt RHOBTB2 protein function. In summary, the available evidence is currently insufficient to determine the role of this variant in disease. Therefore, it has been classified as a Variant of Uncertain Significance. This variant has not been reported in the literature in individuals affected with RHOBTB2-related conditions. This variant is not present in population databases (gnomAD no frequency). This sequence change replaces alanine, which is neutral and non-polar, with valine, which is neutral and non-polar, at codon 228 of the RHOBTB2 protein (p.Ala228Val).